The following is an entry in ClinVar:

NM_000179.3(MSH6):c.2064C>G (p.Val688=)

Gene: MSH6 (mutS homolog 6; plus strand). Cytogenetic location: 2p16.3.
Variant type: single nucleotide variant.
Coding change: c.2064C>G on transcript NM_000179.3 (MANE Select); coding-DNA position 2064, C replaced by G.
Protein change: p.Val688=; no amino-acid change (valine 688 retained).
Molecular consequence: synonymous variant.
Genome position (GRCh38, 1-based): chr2:47,800,047, C>G. VCF-style: chr2-47800047-C-G. GRCh37 (hg19) VCF-style: chr2-48027186-C-G.
Other names: c.1674C>G, p.Val558= (NM_001281492.2); c.1158C>G, p.Val386= (NM_001281493.2, NM_001281494.2).
Identifiers: ClinVar variation 391940 (VCV000391940.21), dbSNP rs1057524297, ClinGen allele CA16604584.

ClinVar aggregate classification (germline): Benign/Likely benign. Review status: criteria provided, multiple submitters, no conflicts (2 of 4 stars). 5 submissions from 5 submitters: Benign (1); Likely benign (4). Last evaluated 2025-03-04.

Conditions:
Hereditary nonpolyposis colorectal neoplasms. Identifiers: MedGen C0009405, MeSH D003123.
Lynch syndrome 5 (LYNCH5). Also called: Hereditary non-polyposis colorectal cancer, type 5; Colorectal cancer, hereditary nonpolyposis, type 5. Identifiers: Orphanet 144, MedGen C1833477, MONDO:0013710, OMIM 614350. Disease mechanism: loss of function.
Hereditary cancer-predisposing syndrome. Also called: Neoplastic Syndromes, Hereditary; Hereditary Cancer Syndrome; Tumor predisposition; Hereditary neoplastic syndrome. Identifiers: Orphanet 140162, MedGen C0027672, MeSH D009386, MONDO:0015356.

Allele frequency attached by ClinVar (database versions not stated): gnomAD exomes below 0.00001.
gnomAD v4.1: 1 of 1,614,092 alleles (0.000062%); highest among the groups gnomAD compares: East Asian, 0.0022%; no homozygotes.

Submissions (5):

Center for Genomic Medicine, Rigshospitalet, Copenhagen University Hospital
Classification: Likely benign. Last evaluated: 2025-03-04. Review status: criteria provided, single submitter. Criteria: ACMG Guidelines, 2015. Collection method: clinical testing. Allele origin: germline.

Myriad Genetics, Inc.
Classification: Benign for Lynch syndrome 5. Last evaluated: 2024-12-30. Review status: criteria provided, single submitter. Criteria: Myriad Autosomal Dominant, Autosomal Recessive and X-Linked Classification Criteria (2023). Collection method: clinical testing. Allele origin: unknown.
Comment: This variant is considered benign. This variant is a silent/synonymous amino acid change and it is not expected to impact splicing.

Labcorp Genetics (formerly Invitae), Labcorp
Classification: Likely benign for Hereditary nonpolyposis colorectal neoplasms. Last evaluated: 2023-05-17. Review status: criteria provided, single submitter. Criteria: Invitae Variant Classification Sherloc (09022015). Collection method: clinical testing. Allele origin: germline.

Ambry Genetics
Classification: Likely benign for Hereditary cancer-predisposing syndrome. Last evaluated: 2022-10-27. Review status: criteria provided, single submitter. Criteria: Ambry Variant Classification Scheme 2023. Collection method: clinical testing. Allele origin: germline.

GeneDx
Classification: Likely benign. Last evaluated: 2019-09-03. Review status: criteria provided, single submitter. Criteria: GeneDx Variant Classification Process June 2021. Collection method: clinical testing. Allele origin: germline. Affected: yes.